The following is an entry in ClinVar:

ClinVar aggregate classification (germline): Uncertain significance (1 of 4 stars; one submission).

Allele frequency attached by ClinVar (database versions not stated): ExAC 0.00001; gnomAD exomes 0.00001; TOPMed 0.00001; gnomAD 0.00002; 1000 Genomes Project 30x 0.00016; 1000 Genomes Project 0.00020.
gnomAD v4.1: 16 of 1,614,156 alleles (0.00099%); highest among the groups gnomAD compares: African/African-American, 0.0013%; no homozygotes.

Submission:

Labcorp Genetics (formerly Invitae), Labcorp
Classification: Uncertain significance. Last evaluated: 2022-10-19. Review status: criteria provided, single submitter. Criteria: Invitae Variant Classification Sherloc (09022015). Collection method: clinical testing. Allele origin: germline.
Comment: Advanced modeling of protein sequence and biophysical properties (such as structural, functional, and spatial information, amino acid conservation, physicochemical variation, residue mobility, and thermodynamic stability) performed at Invitae indicates that this missense variant is expected to disrupt HIVEP2 protein function. In summary, the available evidence is currently insufficient to determine the role of this variant in disease. Therefore, it has been classified as a Variant of Uncertain Significance. This sequence change replaces arginine, which is basic and polar, with tryptophan, which is neutral and slightly polar, at codon 1642 of the HIVEP2 protein (p.Arg1642Trp). This variant is present in population databases (rs540360531, gnomAD 0.003%). This variant has not been reported in the literature in individuals affected with HIVEP2-related conditions.

NM_006734.4(HIVEP2):c.4924C>T (p.Arg1642Trp)

Gene: HIVEP2 (HIVEP zinc finger 2; minus strand). Cytogenetic location: 6q24.2.
Variant type: single nucleotide variant.
Coding change: c.4924C>T on transcript NM_006734.4 (MANE Select); coding-DNA position 4924, C replaced by T.
Protein change: p.Arg1642Trp; replaces arginine 1642 with tryptophan.
Molecular consequence: missense variant.
Genome position (GRCh38, 1-based): chr6:142,769,815, G>A on the plus strand (C>T on the coding strand, the complement: HIVEP2 is on the minus strand). VCF-style: chr6-142769815-G-A. GRCh37 (hg19) VCF-style: chr6-143090952-G-A.
Other names: short protein forms R1642W.
Identifiers: ClinVar variation 2087825 (VCV002087825.4), dbSNP rs540360531, ClinGen allele CA4027983.